The following is an entry in ClinVar:

ClinVar aggregate classification (germline): Likely benign. Review status: criteria provided, single submitter (1 of 4 stars). 2 submissions from 2 submitters: Likely benign (1). 1 of the submissions does not count toward it. Last evaluated 2026-01-28.

Conditions:
QARS1-related disorder. Also called: QARS1-related condition.
Diffuse cerebral and cerebellar atrophy - intractable seizures - progressive microcephaly syndrome. Also called: Microcephaly, progressive, with seizures and cerebral and cerebellar atrophy. Identifiers: Orphanet 404437, MedGen C4014239, MONDO:0014335, OMIM 615760.

Allele frequency attached by ClinVar (database versions not stated): gnomAD 0.00002; gnomAD exomes 0.00002 and 0.00003; ExAC 0.00005; TOPMed 0.00005.
gnomAD v4.1: 40 of 1,604,520 alleles (0.0025%); highest among the groups gnomAD compares: Middle Eastern, 0.051%; no homozygotes.

Submissions (2):

Labcorp Genetics (formerly Invitae), Labcorp
Classification: Likely benign for Diffuse cerebral and cerebellar atrophy - intractable seizures - progressive microcephaly syndrome. Last evaluated: 2026-01-28. Review status: criteria provided, single submitter. Criteria: Invitae Variant Classification Sherloc (09022015). Collection method: clinical testing. Allele origin: germline.

PreventionGenetics, part of Exact Sciences
Classification: Likely benign for QARS1-related condition. Last evaluated: 2021-05-13. Review status: no assertion criteria provided. Collection method: clinical testing. Allele origin: germline. Not counted in ClinVar's aggregate classification.
Comment: This variant is classified as likely benign based on ACMG/AMP sequence variant interpretation guidelines (Richards et al. 2015 PMID: 25741868, with internal and published modifications).

NM_005051.3(QARS1):c.1884G>A (p.Lys628=)

Gene: QARS1 (glutaminyl-tRNA synthetase 1; minus strand). Cytogenetic location: 3p21.31.
Variant type: single nucleotide variant.
Coding change: c.1884G>A on transcript NM_005051.3 (MANE Select); coding-DNA position 1884, G replaced by A.
Protein change: p.Lys628=; no amino-acid change (lysine 628 retained).
Molecular consequence: synonymous variant. On other transcripts: non-coding transcript variant (1).
Genome position (GRCh38, 1-based): chr3:49,098,672, C>T on the plus strand (G>A on the coding strand, the complement: QARS1 is on the minus strand). VCF-style: chr3-49098672-C-T. GRCh37 (hg19) VCF-style: chr3-49136105-C-T.
Other names: c.1851G>A, p.Lys617= (NM_001272073.2); c.1884G>A (NM_005051.2).
Identifiers: ClinVar variation 1161328 (VCV001161328.9), dbSNP rs764987448, ClinGen allele CA2391597.